The following is an entry in ClinVar:

NM_000264.5(PTCH1):c.1916A>T (p.Tyr639Phe)

Genes: PTCH1 (patched 1; minus strand), LOC100507346 (uncharacterized LOC100507346; plus strand). Cytogenetic location: 9q22.32.
Variant type: single nucleotide variant.
Coding change: c.1916A>T on transcript NM_000264.5 (MANE Select); coding-DNA position 1916, A replaced by T.
Protein change: p.Tyr639Phe; replaces tyrosine 639 with phenylalanine.
Molecular consequence: missense variant. On other transcripts: non-coding transcript variant (2).
Genome position (GRCh38, 1-based): chr9:95,469,085, T>A on the plus strand (A>T on the coding strand, the complement: PTCH1 is on the minus strand). VCF-style: chr9-95469085-T-A. GRCh37 (hg19) VCF-style: chr9-98231367-T-A.
Other names: c.1718A>T, p.Tyr573Phe (NM_001083602.3); c.1913A>T, p.Tyr638Phe (NM_001083603.3); c.1463A>T, p.Tyr488Phe (NM_001083604.3, NM_001083605.3, NM_001083606.3 and 1 more transcripts); c.1760A>T, p.Tyr587Phe (NM_001354918.2); short protein forms Y639F, Y587F, Y638F, Y488F, Y573F.
Identifiers: ClinVar variation 3635852 (VCV003635852.3).
Genomic context (GRCh38, chr9:95,469,085, plus strand): 5'-TGCATGGTAATCTGCGTTTCATGGGCAAAGCTGTGGCTGCTGTAGGGAGGTGGGGGGCTG[T>A]AGCGGGTATTGTCGTGTGTGTCGGTGTAGGCCTGAGGTTCAACCTGAATCACTCTGCTGA-3'
Protein context (NP_000255.2, residues 629-649): AYTDTHDNTR[Tyr639Phe]SPPPPYSSHS

ClinVar aggregate classification (germline): Uncertain significance. Review status: criteria provided, multiple submitters, no conflicts (2 of 4 stars). 2 submissions from 2 submitters: Uncertain significance (2). Last evaluated 2026-04-03.

Conditions:
Hereditary cancer-predisposing syndrome. Also called: Hereditary neoplastic syndrome; Tumor predisposition; Hereditary Cancer Syndrome; Neoplastic Syndromes, Hereditary. Identifiers: Orphanet 140162, MedGen C0027672, MeSH D009386, MONDO:0015356.
Gorlin syndrome. Also called: Basal cell nevus syndrome; Nevoid Basal Cell Carcinoma Syndrome. Identifiers: Orphanet 377, MedGen C0004779, MONDO:0007187.

gnomAD v4.1: 1 of 1,613,954 alleles (0.000062%); highest among the groups gnomAD compares: South Asian, 0.0011%; no homozygotes.

Submissions (2):

Ambry Genetics
Classification: Uncertain significance for Hereditary cancer-predisposing syndrome. Last evaluated: 2026-04-03. Review status: criteria provided, single submitter. Criteria: Ambry Variant Classification Scheme 2023. Collection method: clinical testing. Allele origin: germline.
Comment: The p.Y639F variant (also known as c.1916A>T), located in coding exon 14 of the PTCH1 gene, results from an A to T substitution at nucleotide position 1916. The tyrosine at codon 639 is replaced by phenylalanine, an amino acid with highly similar properties. This amino acid position is conserved. In addition, the in silico prediction for this alteration is inconclusive. Based on the available evidence, the clinical significance of this variant remains unclear.

Labcorp Genetics (formerly Invitae), Labcorp
Classification: Uncertain significance for Gorlin syndrome. Last evaluated: 2024-02-02. Review status: criteria provided, single submitter. Criteria: Invitae Variant Classification Sherloc (09022015). Collection method: clinical testing. Allele origin: germline.
Comment: This sequence change replaces tyrosine, which is neutral and polar, with phenylalanine, which is neutral and non-polar, at codon 639 of the PTCH1 protein (p.Tyr639Phe). This variant is not present in population databases (gnomAD no frequency). This variant has not been reported in the literature in individuals affected with PTCH1-related conditions. Advanced modeling of protein sequence and biophysical properties (such as structural, functional, and spatial information, amino acid conservation, physicochemical variation, residue mobility, and thermodynamic stability) performed at Invitae indicates that this missense variant is not expected to disrupt PTCH1 protein function with a negative predictive value of 95%. In summary, the available evidence is currently insufficient to determine the role of this variant in disease. Therefore, it has been classified as a Variant of Uncertain Significance.